The following is an entry in ClinVar:

ClinVar aggregate classification (germline): Uncertain significance (1 of 4 stars; one submission).

Submission:

GeneDx
Classification: Uncertain significance. Last evaluated: 2024-08-19. Review status: criteria provided, single submitter. Criteria: GeneDx Variant Classification Process June 2021. Collection method: clinical testing. Allele origin: germline. Affected: yes.
Comment: Not observed at significant frequency in large population cohorts (gnomAD); In silico analysis supports that this missense variant has a deleterious effect on protein structure/function; Has not been previously published as pathogenic or benign to our knowledge

NM_000719.7(CACNA1C):c.2600T>C (p.Leu867Pro)

Gene: CACNA1C (calcium voltage-gated channel subunit alpha1 C; plus strand). Cytogenetic location: 12p13.33.
Variant type: single nucleotide variant.
Coding change: c.2600T>C on transcript NM_000719.7 (MANE Select); coding-DNA position 2600, T replaced by C.
Protein change: p.Leu867Pro; replaces leucine 867 with proline.
Molecular consequence: missense variant.
Genome position (GRCh38, 1-based): chr12:2,593,282, T>C. VCF-style: chr12-2593282-T-C. GRCh37 (hg19) VCF-style: chr12-2702448-T-C.
Other names: c.2600T>C, p.Leu867Pro (NM_001129827.2, NM_001129829.2, NM_001129830.3 and 18 more transcripts); c.2591T>C, p.Leu864Pro (NM_001129844.2); short protein forms L864P, L867P.
Identifiers: ClinVar variation 3764241 (VCV003764241.1).